The following is an entry in ClinVar:

ClinVar aggregate classification (germline): Uncertain significance. Review status: criteria provided, multiple submitters, no conflicts (2 of 4 stars). 3 submissions from 3 submitters: Uncertain significance (3). Last evaluated 2026-08-07.

Allele frequency attached by ClinVar (database versions not stated): TOPMed 0.00001; gnomAD 0.00002; gnomAD exomes 0.00003 and 0.00005; ExAC 0.00006.
gnomAD v4.1: 71 of 1,600,808 alleles (0.0044%); highest among the groups gnomAD compares: Non-Finnish European, 0.0057%; no homozygotes.

Submissions (3):

GeneDx
Classification: Uncertain significance. Last evaluated: 2026-08-07. Review status: criteria provided, single submitter. Criteria: GeneDx Variant Classification Process June 2021. Collection method: clinical testing. Allele origin: germline.
Comment: In silico analysis suggests that this missense variant does not alter protein structure/function; Has not been previously published as pathogenic or benign to our knowledge

Labcorp Genetics (formerly Invitae), Labcorp
Classification: Uncertain significance. Last evaluated: 2026-01-26. Review status: criteria provided, single submitter. Criteria: Invitae Variant Classification Sherloc (09022015). Collection method: clinical testing. Allele origin: germline.
Comment: This sequence change replaces alanine, which is neutral and non-polar, with threonine, which is neutral and polar, at codon 670 of the COL9A3 protein (p.Ala670Thr). This variant is present in population databases (rs754589981, gnomAD 0.008%). This variant has not been reported in the literature in individuals affected with COL9A3-related conditions. ClinVar contains an entry for this variant (Variation ID: 1399113). Invitae Evidence Modeling of protein sequence and biophysical properties (such as structural, functional, and spatial information, amino acid conservation, physicochemical variation, residue mobility, and thermodynamic stability) indicates that this missense variant is not expected to disrupt COL9A3 protein function with a negative predictive value of 95%. In summary, the available evidence is currently insufficient to determine the role of this variant in disease. Therefore, it has been classified as a Variant of Uncertain Significance.

Blueprint Genetics
Classification: Uncertain significance. Last evaluated: 2024-10-08. Review status: criteria provided, single submitter. Criteria: ACMG Guidelines, 2015. Collection method: clinical testing. Allele origin: germline.

NM_001853.4(COL9A3):c.2008G>A (p.Ala670Thr)

Gene: COL9A3 (collagen type IX alpha 3 chain; plus strand). Cytogenetic location: 20q13.33.
Variant type: single nucleotide variant.
Coding change: c.2008G>A on transcript NM_001853.4 (MANE Select); coding-DNA position 2008, G replaced by A.
Protein change: p.Ala670Thr; replaces alanine 670 with threonine.
Molecular consequence: missense variant.
Genome position (GRCh38, 1-based): chr20:62,840,685, G>A. VCF-style: chr20-62840685-G-A. GRCh37 (hg19) VCF-style: chr20-61472037-G-A.
Other names: c.2008G>A (NM_001853.3); short protein forms A670T.
Identifiers: ClinVar variation 1399113 (VCV001399113.8), dbSNP rs754589981, ClinGen allele CA9950286.